The following is an entry in ClinVar:

NM_001035.3(RYR2):c.11326-23C>T

Gene: RYR2 (ryanodine receptor 2; plus strand). Cytogenetic location: 1q43.
Variant type: single nucleotide variant.
Coding change: c.11326-23C>T on transcript NM_001035.3 (MANE Select); 23 bases into the intron before coding-DNA position 11326, C replaced by T.
Molecular consequence: intron variant.
Genome position (GRCh38, 1-based): chr1:237,759,753, C>T. VCF-style: chr1-237759753-C-T. GRCh37 (hg19) VCF-style: chr1-237923053-C-T.
Other names: c.11326-23C>T (LRG_402t1).
Identifiers: ClinVar variation 257198 (VCV000257198.7), dbSNP rs2253831, ClinGen allele CA084908.

ClinVar aggregate classification (germline): Benign. Review status: criteria provided, multiple submitters, no conflicts (2 of 4 stars). 6 submissions from 4 submitters: Benign (6). Last evaluated 2021-11-07.

Conditions:
Cardiac arrhythmia. Also called: Arrhythmia; Cardiac rhythm disease. Identifiers: MedGen C0003811, MONDO:0007263, HP:0011675.
Catecholaminergic polymorphic ventricular tachycardia 1. Also called: RYR2-Related Catecholaminergic Polymorphic Ventricular Tachycardia; VENTRICULAR TACHYCARDIA, STRESS-INDUCED POLYMORPHIC 1; VENTRICULAR TACHYCARDIA, CATECHOLAMINERGIC POLYMORPHIC, 1, WITH OR WITHOUT ATRIAL DYSFUNCTION AND/OR DILATED CARDIOMYOPATHY. Identifiers: Orphanet 3286, MedGen C1631597, MONDO:0011484, OMIM 604772.
Arrhythmogenic right ventricular dysplasia 2. Identifiers: MedGen C1832931.

Allele frequency attached by ClinVar (database versions not stated): gnomAD exomes 0.69444 and 0.71340; ExAC 0.71091; ESP Exome Variant Server 0.72598; TOPMed 0.73008; gnomAD 0.73029 and 0.73062; 1000 Genomes Project 0.76158; 1000 Genomes Project 30x 0.76327.
gnomAD v4.1: 1,036,684 of 1,483,426 alleles (70%); highest among the groups gnomAD compares: African/African-American, 79%; 363,590 homozygotes.

Submissions (6):

Genome-Nilou Lab
Classification: Benign for Catecholaminergic polymorphic ventricular tachycardia 1. Last evaluated: 2021-11-07. Review status: criteria provided, single submitter. Criteria: ACMG Guidelines, 2015. Collection method: clinical testing. Allele origin: germline. Affected: no.

Genome-Nilou Lab
Classification: Benign for Ventricular arrhythmias due to cardiac ryanodine receptor calcium release deficiency syndrome. Last evaluated: 2021-11-07. Review status: criteria provided, single submitter. Criteria: ACMG Guidelines, 2015. Collection method: clinical testing. Allele origin: germline. Affected: no.

Genome-Nilou Lab
Classification: Benign for Catecholaminergic polymorphic ventricular tachycardia 1. Last evaluated: 2021-11-07. Review status: criteria provided, single submitter. Criteria: ACMG Guidelines, 2015. Collection method: clinical testing. Allele origin: germline. Affected: no.

GeneDx
Classification: Benign. Last evaluated: 2018-06-15. Review status: criteria provided, single submitter. Criteria: GeneDx Variant Classification (06012015). Collection method: clinical testing. Allele origin: germline. Affected: yes.
Comment: This variant is considered likely benign or benign based on one or more of the following criteria: it is a conservative change, it occurs at a poorly conserved position in the protein, it is predicted to be benign by multiple in silico algorithms, and/or has population frequency not consistent with disease.

Breakthrough Genomics
Classification: Benign. Review status: criteria provided, single submitter. Criteria: ACMG Guidelines, 2015. Collection method: not provided. Allele origin: germline. Inheritance: Autosomal dominant inheritance. Affected: yes.

PreventionGenetics, part of Exact Sciences
Classification: Benign. Review status: criteria provided, single submitter. Criteria: ACMG Guidelines, 2015. Collection method: clinical testing. Allele origin: germline.